The following is an entry in ClinVar:

NM_019892.6(INPP5E):c.469G>T (p.Gly157Trp)

Gene: INPP5E (inositol polyphosphate-5-phosphatase E; minus strand). Cytogenetic location: 9q34.3.
Variant type: single nucleotide variant.
Coding change: c.469G>T on transcript NM_019892.6 (MANE Select); coding-DNA position 469, G replaced by T.
Protein change: p.Gly157Trp; replaces glycine 157 with tryptophan.
Molecular consequence: missense variant.
Genome position (GRCh38, 1-based): chr9:136,438,951, C>A on the plus strand (G>T on the coding strand, the complement: INPP5E is on the minus strand). VCF-style: chr9-136438951-C-A. GRCh37 (hg19) VCF-style: chr9-139333403-C-A.
Other names: c.469G>T, p.Gly157Trp (NM_001318502.2); c.469G>T (NM_019892.5); short protein forms G157W.
Identifiers: ClinVar variation 837758 (VCV000837758.44), dbSNP rs78211353, ClinGen allele CA5337153.
Genomic context (GRCh38, chr9:136,438,951, plus strand): 5'-CGGCGTCTCTGTGCGGGAGGTTCGGGGAGCTGCTGGCCACCCCAGAGAGAGGGTTACCCC[C>A]CGAGGACGGGCTCCCTCTCTCACTGCTCAGGACCCCGCGGGACTTGGGGATTTCCTGCAA-3'
Protein context (NP_063945.2, residues 147-167): LSSERGSPSS[Gly157Trp]GNPLSGVASS

ClinVar aggregate classification (germline): Conflicting classifications of pathogenicity. Review status: criteria provided, conflicting classifications (1 of 4 stars). 8 submissions from 8 submitters: Uncertain significance (3); Likely benign (4). 1 of the submissions does not count toward it. Last evaluated 2026-01-25.

Conditions:
INPP5E-related disorder. Also called: INPP5E-related condition.
Retinal dystrophy. Also called: Inherited retinal dystrophy. Identifiers: Orphanet 71862, MedGen C0854723, MeSH D058499, MONDO:0019118, HP:0000556.
MORM syndrome (MORMS). Identifiers: Orphanet 75858, MedGen C1857802, MONDO:0012423, OMIM 610156.
Joubert syndrome 1 (JBTS1). Also called: Cerebellooculorenal syndrome 1; CEREBELLOPARENCHYMAL DISORDER IV. Identifiers: MedGen C4551568, MONDO:0008944, OMIM 213300.
Joubert syndrome. Also called: Familial aplasia of the vermis; JOUBERT-BOLTSHAUSER SYNDROME. Identifiers: Orphanet 475, MedGen C5979921, MONDO:0018772.

Allele frequency attached by ClinVar (database versions not stated): gnomAD exomes 0.00054; TOPMed 0.00055; gnomAD 0.00057 and 0.00060; ExAC 0.00093; 1000 Genomes Project 0.00100; 1000 Genomes Project 30x 0.00109.
gnomAD v4.1: 1,400 of 1,569,736 alleles (0.089%); highest among the groups gnomAD compares: Non-Finnish European, 0.11%; no homozygotes.

Submissions (8):

Labcorp Genetics (formerly Invitae), Labcorp
Classification: Likely benign for Joubert syndrome. Last evaluated: 2026-01-25. Review status: criteria provided, single submitter. Criteria: Invitae Variant Classification Sherloc (09022015). Collection method: clinical testing. Allele origin: germline.

PreventionGenetics, part of Exact Sciences
Classification: Likely benign for INPP5E-related condition. Last evaluated: 2025-09-15. Review status: criteria provided, single submitter. Criteria: ACMG Guidelines, 2015. Collection method: clinical testing. Allele origin: germline.
Comment: This variant is classified as likely benign based on ACMG/AMP sequence variant interpretation guidelines (Richards et al. 2015 PMID: 25741868, with internal and published modifications).

Blueprint Genetics
Classification: Likely benign. Last evaluated: 2024-09-23. Review status: criteria provided, single submitter. Criteria: ACMG Guidelines, 2015. Collection method: clinical testing. Allele origin: germline.

CeGaT Center for Human Genetics Tuebingen
Classification: Likely benign. Last evaluated: 2022-09-01. Review status: criteria provided, single submitter. Criteria: CeGaT Center For Human Genetics Tuebingen Variant Classification Criteria Version 2. Collection method: clinical testing. Allele origin: germline. Affected: yes. Observed: 2 variant alleles.
Comment: INPP5E: BP4

GeneDx
Classification: Uncertain significance. Last evaluated: 2021-02-08. Review status: criteria provided, single submitter. Criteria: GeneDx Variant Classification Process June 2021. Collection method: clinical testing. Allele origin: germline. Affected: yes.
Comment: In silico analysis supports that this missense variant does not alter protein structure/function; Reported previously in an individual with cone rod dystrophy; however, a second INPP5E variant was not identified, and a homozygous nonsense variant was reported in the SPATA7 gene (Watson et al., 2014).; This variant is associated with the following publications: (PMID: 25133751)

Department of Pathology and Laboratory Medicine, Sinai Health System
Classification: Uncertain significance for Joubert syndrome 1; MORM syndrome. Last evaluated: 2020-05-07. Review status: criteria provided, single submitter. Criteria: ACMG Guidelines, 2015. Collection method: research. Allele origin: germline.

Illumina Laboratory Services, Illumina
Classification: Uncertain significance for Joubert syndrome 1. Last evaluated: 2017-04-28. Review status: criteria provided, single submitter. Criteria: ICSL Variant Classification Criteria 13 December 2019. Collection method: clinical testing. Allele origin: germline.

Institute of Human Genetics, Univ. Regensburg, Univ. Regensburg
Classification: Uncertain significance for Retinal dystrophy. Last evaluated: 2023-01-01. Review status: no assertion criteria provided. Criteria: ACMG Guidelines, 2015. Collection method: clinical testing. Allele origin: germline. Affected: yes. Not counted in ClinVar's aggregate classification.